The following is an entry in ClinVar:

NM_001430.5(EPAS1):c.1919C>T (p.Pro640Leu)

Gene: EPAS1 (endothelial PAS domain protein 1; plus strand). Cytogenetic location: 2p21.
Variant type: single nucleotide variant.
Coding change: c.1919C>T on transcript NM_001430.5 (MANE Select); coding-DNA position 1919, C replaced by T.
Protein change: p.Pro640Leu; replaces proline 640 with leucine.
Molecular consequence: missense variant.
Genome position (GRCh38, 1-based): chr2:46,380,591, C>T. VCF-style: chr2-46380591-C-T. GRCh37 (hg19) VCF-style: chr2-46607730-C-T.
Other names: short protein forms P640L.
Identifiers: ClinVar variation 1782620 (VCV001782620.2), dbSNP rs2546477632, ClinGen allele CA346705153.

ClinVar aggregate classification (germline): Uncertain significance (1 of 4 stars; one submission).

Conditions:
Inborn genetic diseases. Identifiers: MedGen C0950123, MeSH D030342.

Submission:

Ambry Genetics
Classification: Uncertain significance for Inborn genetic diseases. Last evaluated: 2022-04-19. Review status: criteria provided, single submitter. Criteria: Ambry Variant Classification Scheme 2023. Collection method: clinical testing. Allele origin: germline.
Comment: The p.P640L variant (also known as c.1919C>T), located in coding exon 12 of the EPAS1 gene, results from a C to T substitution at nucleotide position 1919. The proline at codon 640 is replaced by leucine, an amino acid with similar properties. This amino acid position is conserved. In addition, the in silico prediction for this alteration is inconclusive. Since supporting evidence is limited at this time, the clinical significance of this alteration remains unclear.